The following is an entry in ClinVar:

NM_007126.5(VCP):c.277C>T (p.Arg93Cys)

Gene: VCP (valosin containing protein; minus strand). Cytogenetic location: 9p13.3.
Variant type: single nucleotide variant.
Coding change: c.277C>T on transcript NM_007126.5 (MANE Select); coding-DNA position 277, C replaced by T.
Protein change: p.Arg93Cys; replaces arginine 93 with cysteine.
Molecular consequence: missense variant.
Genome position (GRCh38, 1-based): chr9:35,067,916, G>A on the plus strand (C>T on the coding strand, the complement: VCP is on the minus strand). VCF-style: chr9-35067916-G-A. GRCh37 (hg19) VCF-style: chr9-35067913-G-A.
Other names: c.142C>T, p.Arg48Cys (NM_001354927.2, NM_001354928.2); short protein forms R93C, R48C.
Identifiers: ClinVar variation 593071 (VCV000593071.55), dbSNP rs1554669087, ClinGen allele CA373293400.

ClinVar aggregate classification (germline): Pathogenic. Review status: criteria provided, multiple submitters, no conflicts (2 of 4 stars). 5 submissions from 5 submitters: Pathogenic (5). Last evaluated 2026-04-17.

Conditions:
Frontotemporal dementia and/or amyotrophic lateral sclerosis 6 (FTDALS6). Also called: VCP-Related Amyotrophic Lateral Sclerosis/Frontotemporal Dementia; VCP-Related Amyotrophic Lateral Sclerosis. Identifiers: Orphanet 275872, Orphanet 803, MedGen C5436279, MONDO:0013501, OMIM 613954.
Inclusion body myopathy with Paget disease of bone and frontotemporal dementia. Also called: Inclusion body myopathy with early-onset Paget disease and frontotemporal dementia. Identifiers: Orphanet 52430, MedGen C1833662, MONDO:0000507.
Charcot-Marie-Tooth disease type 2Y. Also called: CHARCOT-MARIE-TOOTH DISEASE, AXONAL, AUTOSOMAL DOMINANT, TYPE 2Y; CHARCOT-MARIE-TOOTH NEUROPATHY, TYPE 2Y; Charcot-Marie-Tooth disease, axonal, type 2y. Identifiers: Orphanet 435387, MedGen C5569026, MONDO:0014735, OMIM 616687.
Inclusion body myopathy with Paget disease of bone and frontotemporal dementia type 1. Also called: MULTISYSTEM PROTEINOPATHY 1; Inclusion body myopathy with early-onset Paget disease with or without frontotemporal dementia 1; Inclusion body myopathy with early-onset Paget disease and frontotemporal dementia 1. Identifiers: MedGen C4551951, MONDO:0008178, OMIM 167320.

Allele frequency attached by ClinVar (database versions not stated): gnomAD exomes 0.00001.

Submissions (5):

GeneDx
Classification: Pathogenic. Last evaluated: 2026-04-17. Review status: criteria provided, single submitter. Criteria: GeneDx Variant Classification Process June 2021. Collection method: clinical testing. Allele origin: germline.
Comment: Not observed at significant frequency in large population cohorts (gnomAD); In silico analysis supports that this missense variant has a deleterious effect on protein structure/function; This variant is associated with the following publications: (PMID: 23333620, 22270372, 16790606, 16984901, 27768726, 21249466, 29127544, 17907600, 35741724, 39280885, 35216053, 32973976, 37545006, 38973241, 34998409, 37588275, 40931262, 35197922, 30029282, 37516663, 37091525, 26627873, 33618928, 38157654, 36861178, 36980948, 28692196, 32993728, 38146440, 37441929, 26105173, 40294152, 36644447, 29525180, 30530974, 33203472, 32028661, 37002192, 40678441)

Labcorp Genetics (formerly Invitae), Labcorp
Classification: Pathogenic for Inclusion body myopathy with Paget disease of bone and frontotemporal dementia; Frontotemporal dementia and/or amyotrophic lateral sclerosis 6. Last evaluated: 2025-08-26. Review status: criteria provided, single submitter. Criteria: Invitae Variant Classification Sherloc (09022015). Collection method: clinical testing. Allele origin: germline.
Comment: This sequence change replaces arginine, which is basic and polar, with cysteine, which is neutral and slightly polar, at codon 93 of the VCP protein (p.Arg93Cys). This variant is not present in population databases (gnomAD no frequency). This missense change has been observed in individuals with inclusion body myopathy with Paget’s disease and frontotemporal dementia (IBMPFD) and/or distal myopathy (PMID: 16790606, 16984901, 26105173, 26627873). It has also been observed to segregate with disease in related individuals. ClinVar contains an entry for this variant (Variation ID: 593071). Invitae Evidence Modeling of protein sequence and biophysical properties (such as structural, functional, and spatial information, amino acid conservation, physicochemical variation, residue mobility, and thermodynamic stability) indicates that this missense variant is expected to disrupt VCP protein function with a positive predictive value of 95%. Experimental studies have shown that this missense change affects VCP function (PMID: 16984901, 21249466, 22270372, 23333620). For these reasons, this variant has been classified as Pathogenic.

Revvity Omics, Revvity
Classification: Pathogenic. Last evaluated: 2025-05-08. Review status: criteria provided, single submitter. Criteria: ACMG Guidelines, 2015. Collection method: clinical testing. Allele origin: germline.

CeGaT Center for Human Genetics Tuebingen
Classification: Pathogenic. Last evaluated: 2020-04-01. Review status: criteria provided, single submitter. Criteria: CeGaT Center For Human Genetics Tuebingen Variant Classification Criteria Version 2. Collection method: clinical testing. Allele origin: germline. Affected: yes. Observed: 1 variant allele.

Eurofins Ntd Llc (ga)
Classification: Pathogenic. Last evaluated: 2017-07-19. Review status: criteria provided, single submitter. Criteria: EGL Classification Definitions 2015. Collection method: clinical testing. Allele origin: germline. Observed: 1 variant allele, 1 heterozygote.

Literature cited by the submitters: PubMed 16790606 (cited by Labcorp Genetics (formerly Invitae), Labcorp); PubMed 16984901 (cited by Labcorp Genetics (formerly Invitae), Labcorp); PubMed 26105173 (cited by Labcorp Genetics (formerly Invitae), Labcorp); PubMed 26627873 (cited by Labcorp Genetics (formerly Invitae), Labcorp); PubMed 21249466 (cited by Labcorp Genetics (formerly Invitae), Labcorp); PubMed 22270372 (cited by Labcorp Genetics (formerly Invitae), Labcorp); PubMed 23333620 (cited by Labcorp Genetics (formerly Invitae), Labcorp).